The following is an entry in ClinVar:

NM_006580.4(CLDN16):c.-65G>A

Gene: CLDN16 (claudin 16; plus strand). Cytogenetic location: 3q28.
Variant type: single nucleotide variant.
Coding change: c.-65G>A on transcript NM_006580.4 (MANE Select); 65 bases upstream of the start codon, G replaced by A.
Molecular consequence: 5 prime UTR variant.
Genome position (GRCh38, 1-based): chr3:190,388,265, G>A. VCF-style: chr3-190388265-G-A. GRCh37 (hg19) VCF-style: chr3-190106054-G-A.
Other names: c.-65G>A (NM_001378492.1, NM_001378493.1).
Identifiers: ClinVar variation 1525707 (VCV001525707.8), dbSNP rs558573665, ClinGen allele CA2753705.

ClinVar aggregate classification (germline): Uncertain significance (1 of 4 stars; one submission).

Allele frequency attached by ClinVar (database versions not stated): ExAC 0.00001; gnomAD 0.00001; gnomAD exomes below 0.00001 and 0.00001; 1000 Genomes Project 30x 0.00016; 1000 Genomes Project 0.00020.
gnomAD v4.1: 7 of 1,609,188 alleles (0.00044%); highest among the groups gnomAD compares: East Asian, 0.0022%; no homozygotes.

Submission:

Labcorp Genetics (formerly Invitae), Labcorp
Classification: Uncertain significance. Last evaluated: 2021-04-12. Review status: criteria provided, single submitter. Criteria: Invitae Variant Classification Sherloc (09022015). Collection method: clinical testing. Allele origin: germline.
Comment: In summary, the available evidence is currently insufficient to determine the role of this variant in disease. Therefore, it has been classified as a Variant of Uncertain Significance. Algorithms developed to predict the effect of missense changes on protein structure and function (SIFT, PolyPhen-2, Align-GVGD) all suggest that this variant is likely to be tolerated, but these predictions have not been confirmed by published functional studies and their clinical significance is uncertain. This variant has not been reported in the literature in individuals with CLDN16-related conditions. This variant is present in population databases (rs558573665, ExAC 0.002%). This sequence change replaces arginine with histidine at codon 49 of the CLDN16 protein (p.Arg49His). The arginine residue is weakly conserved and there is a small physicochemical difference between arginine and histidine.